The following is an entry in ClinVar:

ClinVar aggregate classification (germline): Uncertain significance (1 of 4 stars; one submission).

Conditions:
Alstrom syndrome (ALMS). Identifiers: Orphanet 64, MedGen C0268425, MONDO:0008763, OMIM 203800.

Submission:

Labcorp Genetics (formerly Invitae), Labcorp
Classification: Uncertain significance for Alstrom syndrome. Last evaluated: 2024-01-11. Review status: criteria provided, single submitter. Criteria: Invitae Variant Classification Sherloc (09022015). Collection method: clinical testing. Allele origin: germline.
Comment: This sequence change falls in intron 19 of the ALMS1 gene. It does not directly change the encoded amino acid sequence of the ALMS1 protein. It affects a nucleotide within the consensus splice site. This variant is not present in population databases (gnomAD no frequency). This variant has not been reported in the literature in individuals affected with ALMS1-related conditions. Variants that disrupt the consensus splice site are a relatively common cause of aberrant splicing (PMID: 17576681, 9536098). Algorithms developed to predict the effect of sequence changes on RNA splicing suggest that this variant is not likely to affect RNA splicing. In summary, the available evidence is currently insufficient to determine the role of this variant in disease. Therefore, it has been classified as a Variant of Uncertain Significance.

Literature cited by the submitters: PubMed 17576681; PubMed 9536098.

NM_001378454.1(ALMS1):c.12115-3T>A

Genes: ALMS1 (ALMS1 centrosome and basal body associated protein; plus strand), LOC126806252 (BRD4-independent group 4 enhancer GRCh37_chr2:73828496-73829695; plus strand). Cytogenetic location: 2p13.1.
Variant type: single nucleotide variant.
Coding change: c.12115-3T>A on transcript NM_001378454.1 (MANE Select); 3 bases into the intron before coding-DNA position 12115, T replaced by A.
Molecular consequence: intron variant.
Genome position (GRCh38, 1-based): chr2:73,602,182, T>A. VCF-style: chr2-73602182-T-A. GRCh37 (hg19) VCF-style: chr2-73829309-T-A.
Other names: c.12115-3T>A (NM_015120.4).
Identifiers: ClinVar variation 2893712 (VCV002893712.2), dbSNP rs1268360103, ClinGen allele CA892843558.